The following is an entry in ClinVar:

NM_177438.3(DICER1):c.5309A>G (p.Asp1770Gly)

Gene: DICER1 (dicer 1, ribonuclease III; minus strand). Cytogenetic location: 14q32.13.
Variant type: single nucleotide variant.
Coding change: c.5309A>G on transcript NM_177438.3 (MANE Select); coding-DNA position 5309, A replaced by G.
Protein change: p.Asp1770Gly; replaces aspartic acid 1770 with glycine.
Molecular consequence: missense variant. On other transcripts: non-coding transcript variant (6).
Genome position (GRCh38, 1-based): chr14:95,093,943, T>C on the plus strand (A>G on the coding strand, the complement: DICER1 is on the minus strand). VCF-style: chr14-95093943-T-C. GRCh37 (hg19) VCF-style: chr14-95560280-T-C.
Other names: c.5309A>G, p.Asp1770Gly (NM_001195573.1, NM_001271282.3, NM_001291628.2 and 9 more transcripts); c.5027A>G, p.Asp1676Gly (NM_001395686.1); c.4904A>G, p.Asp1635Gly (NM_001395687.1, NM_001395688.1, NM_001395689.1 and 1 more transcripts); c.4742A>G, p.Asp1581Gly (NM_001395691.1); c.3626A>G, p.Asp1209Gly (NM_001395697.1); short protein forms D1209G, D1581G, D1635G, D1676G, D1770G.
Identifiers: ClinVar variation 3229431 (VCV003229431.1), dbSNP rs2542439483, ClinGen allele CA390864982.

ClinVar aggregate classification (germline): Uncertain significance (1 of 4 stars; one submission).

Conditions:
Hereditary cancer-predisposing syndrome. Also called: Neoplastic Syndromes, Hereditary; Tumor predisposition; Hereditary neoplastic syndrome; Hereditary Cancer Syndrome. Identifiers: Orphanet 140162, MedGen C0027672, MeSH D009386, MONDO:0015356.

Allele frequency attached by ClinVar (database versions not stated): gnomAD exomes below 0.00001.
gnomAD v4.1: 1 of 1,614,156 alleles (0.000062%); highest among the groups gnomAD compares: Non-Finnish European, 0.000085%; no homozygotes.

Submission:

Ambry Genetics
Classification: Uncertain significance for Hereditary cancer-predisposing syndrome. Last evaluated: 2024-01-21. Review status: criteria provided, single submitter. Criteria: Ambry Variant Classification Scheme 2023. Collection method: clinical testing. Allele origin: germline.
Comment: The p.D1770G variant (also known as c.5309A>G), located in coding exon 23 of the DICER1 gene, results from an A to G substitution at nucleotide position 5309. The aspartic acid at codon 1770 is replaced by glycine, an amino acid with similar properties. This amino acid position is conserved. In addition, this alteration is predicted to be deleterious by in silico analysis. Based on the available evidence, the clinical significance of this alteration remains unclear.